The following is an entry in ClinVar:

NM_001037.5(SCN1B):c.448+151C>A

Gene: SCN1B (sodium voltage-gated channel beta subunit 1; plus strand). Cytogenetic location: 19q13.11.
Variant type: single nucleotide variant.
Coding change: c.448+151C>A on transcript NM_001037.5 (MANE Select); 151 bases into the intron after coding-DNA position 448, C replaced by A.
Molecular consequence: intron variant. On other transcripts: missense variant (1).
Genome position (GRCh38, 1-based): chr19:35,033,890, C>A. VCF-style: chr19-35033890-C-A. GRCh37 (hg19) VCF-style: chr19-35524794-C-A.
Other names: c.599C>A, p.Ser200Tyr (NM_199037.5); c.349+151C>A (NM_001321605.2); short protein forms S200Y.
Identifiers: ClinVar variation 406504 (VCV000406504.8), dbSNP rs1060501167, ClinGen allele CA16616067.
Genomic context (GRCh38, chr19:35,033,890, plus strand): 5'-TCTGTGCCTGGCCAGCCAACCGCCCACAGCAGCGGGCTGAGGGGGAGGGGAGCAGCCCCT[C>A]CTGCCCACTCCAGCTCTGGCCTCTGTTTCTCTCCAGCCCACGGAGAGGTCAAAGCATGCC-3'

ClinVar aggregate classification (germline): Uncertain significance (1 of 4 stars; one submission).

Conditions:
Brugada syndrome 5 (BRGDA5). Identifiers: Orphanet 130, Orphanet 871, MedGen C2748541, MONDO:0013015, OMIM 612838.

Allele frequency attached by ClinVar (database versions not stated): gnomAD 0.00001; gnomAD exomes 0.00001.
gnomAD v4.1: 4 of 1,594,770 alleles (0.00025%); highest among the groups gnomAD compares: Admixed American, 0.0071%; no homozygotes.

Submission:

Labcorp Genetics (formerly Invitae), Labcorp
Classification: Uncertain significance for Brugada syndrome 5. Last evaluated: 2025-09-20. Review status: criteria provided, single submitter. Criteria: Invitae Variant Classification Sherloc (09022015). Collection method: clinical testing. Allele origin: germline.
Comment: This sequence change replaces serine, which is neutral and polar, with tyrosine, which is neutral and polar, at codon 200 of the SCN1B protein (p.Ser200Tyr). This variant is present in population databases (no rsID available, gnomAD 0.01%). This variant has not been reported in the literature in individuals affected with SCN1B-related conditions. ClinVar contains an entry for this variant (Variation ID: 406504). An algorithm developed to predict the effect of missense changes on protein structure and function (PolyPhen-2) suggests that this variant is likely to be tolerated. In summary, the available evidence is currently insufficient to determine the role of this variant in disease. Therefore, it has been classified as a Variant of Uncertain Significance.